The following is an entry in ClinVar:

NM_000182.5(HADHA):c.1690-6G>A

Genes: GAREM2 (GRB2 associated regulator of MAPK1 subtype 2; plus strand), HADHA (hydroxyacyl-CoA dehydrogenase trifunctional multienzyme complex subunit alpha; minus strand). Cytogenetic location: 2p23.3.
Variant type: single nucleotide variant.
Coding change: c.1690-6G>A on transcript NM_000182.5 (MANE Select); 6 bases into the intron before coding-DNA position 1690, G replaced by A.
Molecular consequence: intron variant.
Genome position (GRCh38, 1-based): chr2:26,193,778, C>T on the plus strand (G>A on the coding strand, the complement: HADHA is on the minus strand). VCF-style: chr2-26193778-C-T. GRCh37 (hg19) VCF-style: chr2-26416647-C-T.
Other names: p.?.
Identifiers: ClinVar variation 203739 (VCV000203739.42), dbSNP rs111662358, ClinGen allele CA312574.

ClinVar aggregate classification (germline): Benign/Likely benign. Review status: criteria provided, multiple submitters, no conflicts (2 of 4 stars). 8 submissions from 7 submitters: Benign (6); Likely benign (1). 1 of the submissions does not count toward it. Last evaluated 2026-01-28.

Conditions:
Long chain 3-hydroxyacyl-CoA dehydrogenase deficiency. Also called: Deficiency of long-chain 3-hydroxyacyl-coenzyme A dehydrogenase; LCHAD Deficiency. Identifiers: Orphanet 5, MedGen C3711645, MONDO:0012173, OMIM 609016.
Mitochondrial trifunctional protein deficiency. Identifiers: Orphanet 746, MedGen C1969443, MONDO:0012172.

Allele frequency attached by ClinVar (database versions not stated): gnomAD exomes 0.00035 and 0.00098; ExAC 0.00114; 1000 Genomes Project 0.00379; gnomAD 0.00383 and 0.00412; 1000 Genomes Project 30x 0.00390; ESP Exome Variant Server 0.00408; TOPMed 0.00492.
gnomAD v4.1: 1,122 of 1,613,682 alleles (0.07%); highest among the groups gnomAD compares: African/African-American, 1.3%; 9 homozygotes.

Submissions (8):

Labcorp Genetics (formerly Invitae), Labcorp
Classification: Benign for Mitochondrial trifunctional protein deficiency; Long chain 3-hydroxyacyl-CoA dehydrogenase deficiency. Last evaluated: 2026-01-28. Review status: criteria provided, single submitter. Criteria: Invitae Variant Classification Sherloc (09022015). Collection method: clinical testing. Allele origin: germline.

Mayo Clinic Laboratories, Mayo Clinic
Classification: Likely benign. Last evaluated: 2025-04-21. Review status: criteria provided, single submitter. Criteria: ACMG Guidelines, 2015. Collection method: clinical testing. Allele origin: germline. Observed: 11 variant alleles.
Comment: BS1, BP4, BP7

CeGaT Center for Human Genetics Tuebingen
Classification: Benign. Last evaluated: 2023-11-01. Review status: criteria provided, single submitter. Criteria: CeGaT Center For Human Genetics Tuebingen Variant Classification Criteria Version 2. Collection method: clinical testing. Allele origin: germline. Affected: yes. Observed: 1 variant allele.
Comment: HADHA: BP4, BS1, BS2

Women's Health and Genetics/Laboratory Corporation of America, LabCorp
Classification: Benign. Last evaluated: 2022-02-23. Review status: criteria provided, single submitter. Criteria: LabCorp Variant Classification Summary - May 2015. Collection method: clinical testing. Allele origin: germline.
Comment: Variant summary: HADHA c.1690-6G>A alters a non-conserved nucleotide located close to a canonical splice site and therefore could affect mRNA splicing, leading to a significantly altered protein sequence. 4/4 computational tools predict no significant impact on normal splicing. However, these predictions have yet to be confirmed by functional studies. The variant allele was found at a frequency of 0.00098 in 251430 control chromosomes, predominantly at a frequency of 0.014 within the African or African-American subpopulation in the gnomAD database, including 4 homozygotes. The observed variant frequency within African or African-American control individuals in the gnomAD database is approximately 7 fold of the estimated maximal expected allele frequency for a pathogenic variant in HADHA causing Long Chain 3-Hydroxyacyl-CoA Dehydrogenase Deficiency phenotype (0.0019), strongly suggesting that the variant is a benign polymorphism found primarily in populations of African or African-American origin. To our knowledge, no occurrence of c.1690-6G>A in individuals affected with Long Chain 3-Hydroxyacyl-CoA Dehydrogenase Deficiency and no experimental evidence demonstrating its impact on protein function have been reported. Three clinical diagnostic laboratories have submitted clinical-significance assessments for this variant to ClinVar after 2014 and all classified the variant as benign. Based on the evidence outlined above, the variant was classified as benign.

Illumina Laboratory Services, Illumina
Classification: Benign for Mitochondrial trifunctional protein deficiency 1. Last evaluated: 2018-01-12. Review status: criteria provided, single submitter. Criteria: ICSL Variant Classification Criteria 13 December 2019. Collection method: clinical testing. Allele origin: germline.
Comment: This variant was observed in the ICSL laboratory as part of a predisposition screen in an ostensibly healthy population. It had not been previously curated by ICSL or reported in the Human Gene Mutation Database (HGMD: prior to June 1st, 2018), and was therefore a candidate for classification through an automated scoring system. Utilizing variant allele frequency, disease prevalence and penetrance estimates, and inheritance mode, an automated score was calculated to assess if this variant is too frequent to cause the disease. Based on the score and internal cut-off values, a variant classified as benign is not then subjected to further curation. The score for this variant resulted in a classification of benign for this disease.

Illumina Laboratory Services, Illumina
Classification: Benign for Long chain 3-hydroxyacyl-CoA dehydrogenase deficiency. Last evaluated: 2018-01-12. Review status: criteria provided, single submitter. Criteria: ICSL Variant Classification Criteria 13 December 2019. Collection method: clinical testing. Allele origin: germline.
Comment: the same text as in the submission from Illumina Laboratory Services, Illumina above.

GeneDx
Classification: Benign. Last evaluated: 2014-09-04. Review status: criteria provided, single submitter. Criteria: GeneDx Variant Classification (06012015). Collection method: clinical testing. Allele origin: germline. Affected: yes.
Comment: This variant is considered likely benign or benign based on one or more of the following criteria: it is a conservative change, it occurs at a poorly conserved position in the protein, it is predicted to be benign by multiple in silico algorithms, and/or has population frequency not consistent with disease.

Natera, Inc.
Classification: Benign for Deficiency of long-chain 3-hydroxyacyl-coenzyme A dehydrogenase. Last evaluated: 2020-09-16. Review status: no assertion criteria provided. Collection method: clinical testing. Allele origin: germline. Not counted in ClinVar's aggregate classification.